The following is an entry in ClinVar:

ClinVar aggregate classification (germline): Uncertain significance. Review status: criteria provided, multiple submitters, no conflicts (2 of 4 stars). 2 submissions from 2 submitters: Uncertain significance (2). Last evaluated 2025-11-23.

Conditions:
Hereditary cancer-predisposing syndrome. Also called: Hereditary neoplastic syndrome; Hereditary Cancer Syndrome; Neoplastic Syndromes, Hereditary; Tumor predisposition. Identifiers: Orphanet 140162, MedGen C0027672, MeSH D009386, MONDO:0015356.
Multiple endocrine neoplasia, type 1 (MEN1). Also called: MEA I; MEN I; WERMER SYNDROME; Endocrine adenomatosis multiple; MEN 1. Identifiers: Orphanet 652, MedGen C0025267, MeSH D018761, MONDO:0007540, OMIM 131100.

Submissions (2):

Labcorp Genetics (formerly Invitae), Labcorp
Classification: Uncertain significance for Multiple endocrine neoplasia, type 1. Last evaluated: 2025-11-23. Review status: criteria provided, single submitter. Criteria: Invitae Variant Classification Sherloc (09022015). Collection method: clinical testing. Allele origin: germline.
Comment: This sequence change replaces glutamic acid, which is acidic and polar, with aspartic acid, which is acidic and polar, at codon 466 of the MEN1 protein (p.Glu466Asp). This variant is not present in population databases (gnomAD no frequency). This variant has not been reported in the literature in individuals affected with MEN1-related conditions. Invitae Evidence Modeling of protein sequence and biophysical properties (such as structural, functional, and spatial information, amino acid conservation, physicochemical variation, residue mobility, and thermodynamic stability) indicates that this missense variant is not expected to disrupt MEN1 protein function with a negative predictive value of 95%. In summary, the available evidence is currently insufficient to determine the role of this variant in disease. Therefore, it has been classified as a Variant of Uncertain Significance.

Ambry Genetics
Classification: Uncertain significance for Hereditary cancer-predisposing syndrome. Last evaluated: 2025-10-28. Review status: criteria provided, single submitter. Criteria: Ambry Variant Classification Scheme 2023. Collection method: clinical testing. Allele origin: germline.
Comment: The p.E466D variant (also known as c.1398G>C), located in coding exon 9 of the MEN1 gene, results from a G to C substitution at nucleotide position 1398. The glutamic acid at codon 466 is replaced by aspartic acid, an amino acid with highly similar properties. This amino acid position is not well conserved in available vertebrate species. In addition, this alteration is predicted to be tolerated by in silico analysis. Based on the available evidence, the clinical significance of this variant remains unclear.

NM_001370259.2(MEN1):c.1398G>C (p.Glu466Asp)

Gene: MEN1 (menin 1; minus strand). Cytogenetic location: 11q13.1.
Variant type: single nucleotide variant.
Coding change: c.1398G>C on transcript NM_001370259.2 (MANE Select); coding-DNA position 1398, G replaced by C.
Protein change: p.Glu466Asp; replaces glutamic acid 466 with aspartic acid.
Molecular consequence: missense variant. On other transcripts: non-coding transcript variant (4).
Genome position (GRCh38, 1-based): chr11:64,804,769, C>G on the plus strand (G>C on the coding strand, the complement: MEN1 is on the minus strand). VCF-style: chr11-64804769-C-G. GRCh37 (hg19) VCF-style: chr11-64572241-C-G.
Other names: c.1413G>C, p.Glu471Asp (NM_000244.4, NM_001407145.1, NM_130800.3 and 4 more transcripts); c.1524G>C, p.Glu508Asp (NM_001370251.2, NM_001407142.1, NM_001407143.1 and 1 more transcripts); c.1398G>C, p.Glu466Asp (NM_001370260.2, NM_001370261.2, NM_001407146.1 and 2 more transcripts); c.1293G>C, p.Glu431Asp (NM_001370262.2, NM_001370263.2, NM_001407148.1 and 1 more transcripts); c.1539G>C, p.Glu513Asp (NM_001407150.1); c.1419G>C, p.Glu473Asp (NM_001407151.1); c.1233G>C, p.Glu411Asp (NM_001407152.1); short protein forms E411D, E466D, E473D, E513D, E431D, E471D, E508D.
Identifiers: ClinVar variation 4646357 (VCV004646357.2).